The following is an entry in ClinVar:

ClinVar aggregate classification (germline): Uncertain significance (1 of 4 stars; one submission).

Conditions:
Autoimmune lymphoproliferative syndrome type 1. Also called: AUTOIMMUNE LYMPHOPROLIFERATIVE SYNDROME, TYPE I, AUTOSOMAL DOMINANT. Identifiers: Orphanet 3261, MedGen C2717884, MONDO:0011158, OMIM 601859.

Allele frequency attached by ClinVar (database versions not stated): gnomAD exomes below 0.00001.
gnomAD v4.1: 2 of 1,613,558 alleles (0.00012%); highest among the groups gnomAD compares: African/African-American, 0.0027%; no homozygotes.

Submission:

Labcorp Genetics (formerly Invitae), Labcorp
Classification: Uncertain significance for Autoimmune lymphoproliferative syndrome. Last evaluated: 2022-02-05. Review status: criteria provided, single submitter. Criteria: Invitae Variant Classification Sherloc (09022015). Collection method: clinical testing. Allele origin: germline.
Comment: Algorithms developed to predict the effect of missense changes on protein structure and function are either unavailable or do not agree on the potential impact of this missense change (SIFT: "Not Available"; PolyPhen-2: "Benign"; Align-GVGD: "Not Available"). ClinVar contains an entry for this variant (Variation ID: 1035255). This variant has not been reported in the literature in individuals affected with FAS-related conditions. This variant is not present in population databases (gnomAD no frequency). This sequence change replaces serine, which is neutral and polar, with threonine, which is neutral and polar, at codon 212 of the FAS protein (p.Ser212Thr). In summary, the available evidence is currently insufficient to determine the role of this variant in disease. Therefore, it has been classified as a Variant of Uncertain Significance.

NM_000043.6(FAS):c.634T>A (p.Ser212Thr)

Gene: FAS (Fas cell surface death receptor; plus strand). Cytogenetic location: 10q23.31.
Variant type: single nucleotide variant.
Coding change: c.634T>A on transcript NM_000043.6 (MANE Select); coding-DNA position 634, T replaced by A.
Protein change: p.Ser212Thr; replaces serine 212 with threonine.
Molecular consequence: missense variant. On other transcripts: non-coding transcript variant (6), intron variant (1).
Genome position (GRCh38, 1-based): chr10:89,012,064, T>A. VCF-style: chr10-89012064-T-A. GRCh37 (hg19) VCF-style: chr10-90771821-T-A.
Other names: c.571T>A, p.Ser191Thr (NM_152871.4); c.634T>A, p.Ser212Thr (NM_152872.4); c.568+1249T>A (NM_001320619.2); short protein forms S191T, S212T.
Identifiers: ClinVar variation 1035255 (VCV001035255.8), dbSNP rs1848559695, ClinGen allele CA377509354.